The following is an entry in ClinVar:

NM_130839.5(UBE3A):c.2471T>A (p.Ile824Lys)

Genes: SNHG14 (small nucleolar RNA host gene 14; plus strand), UBE3A (ubiquitin protein ligase E3A; minus strand). Cytogenetic location: 15q11.2.
Variant type: single nucleotide variant.
Coding change: c.2471T>A on transcript NM_130839.5 (MANE Select); coding-DNA position 2471, T replaced by A.
Protein change: p.Ile824Lys; replaces isoleucine 824 with lysine.
Molecular consequence: missense variant. On other transcripts: non-coding transcript variant (1).
Genome position (GRCh38, 1-based): chr15:25,340,112, A>T on the plus strand (T>A on the coding strand, the complement: UBE3A is on the minus strand). VCF-style: chr15-25340112-A-T. GRCh37 (hg19) VCF-style: chr15-25585259-A-T.
Other names: c.2480T>A, p.Ile827Lys (NM_000462.5); c.2471T>A, p.Ile824Lys (NM_001354505.1, NM_001354538.2); c.2411T>A, p.Ile804Lys (NM_001354506.2, NM_001354507.2, NM_001354508.2 and 14 more transcripts); c.2255T>A, p.Ile752Lys (NM_001354547.2, NM_001354548.2); c.2246T>A, p.Ile749Lys (NM_001354549.2); c.1220T>A, p.Ile407Lys (NM_001354550.2); c.1160T>A, p.Ile387Lys (NM_001354551.2); c.2315T>A, p.Ile772Lys (NM_001354545.2); and 1 more; short protein forms I387K, I407K, I749K, I752K, I765K, I772K, I804K, I824K.
Identifiers: ClinVar variation 1330960 (VCV001330960.7), dbSNP rs2152514867, ClinGen allele CA391350970.

ClinVar aggregate classification (germline): Likely pathogenic (1 of 4 stars; one submission).

Conditions:
Angelman syndrome (AS). Also called: HAPPY PUPPET SYNDROME. Identifiers: Orphanet 72, MedGen C0162635, MONDO:0007113, OMIM 105830. Disease mechanism: loss of function. Inheritance: AS is caused by disruption of maternally imprinted UBE3A located within the 15q11.2-q13 Angelman syndrome/Prader-Willi syndrome (AS/PWS) region., imprinting disorder.

Submission:

ARUP Laboratories, Molecular Genetics and Genomics, ARUP Laboratories
Classification: Likely pathogenic for Angelman syndrome. Last evaluated: 2021-01-08. Review status: criteria provided, single submitter. Criteria: ARUP Molecular Germline Variant Investigation Process 2021. Collection method: clinical testing. Allele origin: germline.
Comment: The UBE3A c.2411T>A; p.Ile804Lys variant is reported in the literature in one individual affected with Angelman syndrome (Fang 1999). Functional analyses of the variant protein show reduced E3 ubiquitin ligase activity as well as high instability when expressed in cells (Cooper 2004). This variant is absent from general population databases (Exome Variant Server, Genome Aggregation Database), indicating it is not a common polymorphism. The isoleucine at codon 804 is highly conserved, and computational analyses predict that this variant is deleterious (REVEL: 0.858). Based on available information, this variant is considered to be likely pathogenic. References: Cooper EM et al. Biochemical analysis of Angelman syndrome-associated mutations in the E3 ubiquitin ligase E6-associated protein. J Biol Chem. 2004 Sep 24;279(39):41208-17. Fang P et al. The spectrum of mutations in UBE3A causing Angelman syndrome. Hum Mol Genet. 1999 Jan;8(1):129-35.